The following is an entry in ClinVar:

ClinVar aggregate classification (germline): Uncertain significance (1 of 4 stars; one submission).

Conditions:
Hereditary cancer-predisposing syndrome. Also called: Hereditary neoplastic syndrome; Tumor predisposition; Hereditary Cancer Syndrome; Neoplastic Syndromes, Hereditary. Identifiers: Orphanet 140162, MedGen C0027672, MeSH D009386, MONDO:0015356.

Submissions (2):

Color Diagnostics, LLC DBA Color Health
Classification: Uncertain significance for Hereditary cancer-predisposing syndrome. Last evaluated: 2019-04-05. Review status: criteria provided, single submitter. Criteria: ACMG Guidelines, 2015. Collection method: clinical testing. Allele origin: germline.

Brotman Baty Institute, University of Washington
No classification provided (evidence only). Condition: Breast-ovarian cancer, familial 1. Review status: no classification provided. Collection method: in vitro. Allele origin: not applicable. Functional consequence: functionally_normal. Not counted in ClinVar's aggregate classification.
ClinVar note: "not provided" was previously submitted as the classification for the variant. However, the classification appeared to be based only on an observation of functional data so it was converted to no classification on 2025-07-30.

NM_007294.4(BRCA1):c.5015A>T (p.His1672Leu)

Gene: BRCA1 (BRCA1 DNA repair associated; minus strand). Cytogenetic location: 17q21.31.
Variant type: single nucleotide variant.
Coding change: c.5015A>T on transcript NM_007294.4 (MANE Select); coding-DNA position 5015, A replaced by T.
Protein change: p.His1672Leu; replaces histidine 1672 with leucine.
Molecular consequence: missense variant. On other transcripts: non-coding transcript variant (1).
Genome position (GRCh38, 1-based): chr17:43,067,667, T>A on the plus strand (A>T on the coding strand, the complement: BRCA1 is on the minus strand). VCF-style: chr17-43067667-T-A. GRCh37 (hg19) VCF-style: chr17-41219684-T-A.
Other names: c.4802A>T, p.His1601Leu (NM_001407571.1, NM_001407894.1, NM_001407895.1 and 12 more transcripts); c.5081A>T, p.His1694Leu (NM_001407581.1, NM_001407582.1); c.5078A>T, p.His1693Leu (NM_001407583.1, NM_001407585.1, NM_001407587.1 and 1 more transcripts); c.5075A>T, p.His1692Leu (NM_001407590.1, NM_001407591.1); c.5015A>T, p.His1672Leu (NM_001407593.1, NM_001407594.1, NM_001407596.1 and 8 more transcripts); c.5012A>T, p.His1671Leu (NM_001407610.1, NM_001407611.1, NM_001407622.1 and 17 more transcripts); c.5009A>T, p.His1670Leu (NM_001407627.1, NM_001407628.1, NM_001407629.1 and 14 more transcripts); c.5006A>T, p.His1669Leu (NM_001407644.1, NM_001407645.1); and 70 more; short protein forms H1672L, H1693L, H1625L, H568L, H1518L, H1544L, H1582L, H1603L.
Identifiers: ClinVar variation 631148 (VCV000631148.6), dbSNP rs1567772328, ClinGen allele CA10591486.